The following is an entry in ClinVar:

ClinVar aggregate classification (germline): Pathogenic/Likely pathogenic. Review status: criteria provided, multiple submitters, no conflicts (2 of 4 stars). 2 submissions from 2 submitters: Pathogenic (1); Likely pathogenic (1). Last evaluated 2024-05-13.

Conditions:
Deficiency of acetyl-CoA acetyltransferase. Also called: Beta-ketothiolase deficiency; 3-KETOTHIOLASE DEFICIENCY; 3-OXOTHIOLASE DEFICIENCY; MITOCHONDRIAL ACETOACETYL-CoA THIOLASE DEFICIENCY. Identifiers: Orphanet 134, MedGen C1536500, MONDO:0008760, OMIM 203750. Disease mechanism: loss of function.

Allele frequency attached by ClinVar (database versions not stated): gnomAD exomes below 0.00001.

Submissions (2):

Labcorp Genetics (formerly Invitae), Labcorp
Classification: Pathogenic for Deficiency of acetyl-CoA acetyltransferase. Last evaluated: 2024-05-13. Review status: criteria provided, single submitter. Criteria: Invitae Variant Classification Sherloc (09022015). Collection method: clinical testing. Allele origin: germline.
Comment: This sequence change creates a premature translational stop signal (p.Gln404*) in the ACAT1 gene. While this is not anticipated to result in nonsense mediated decay, it is expected to disrupt the last 24 amino acid(s) of the ACAT1 protein. This variant is not present in population databases (gnomAD no frequency). This variant has not been reported in the literature in individuals affected with ACAT1-related conditions. This variant disrupts a region of the ACAT1 protein in which other variant(s) (p.Gly418Asp) have been determined to be pathogenic (PMID: 28689740; Invitae). This suggests that this is a clinically significant region of the protein, and that variants that disrupt it are likely to be disease-causing. For these reasons, this variant has been classified as Pathogenic.

Fulgent Genetics
Classification: Likely pathogenic for Deficiency of acetyl-CoA acetyltransferase. Last evaluated: 2024-03-22. Review status: criteria provided, single submitter. Criteria: ACMG Guidelines, 2015. Collection method: clinical testing. Allele origin: germline.

Literature cited by the submitters: PubMed 28689740 (cited by Labcorp Genetics (formerly Invitae), Labcorp).

NM_000019.4(ACAT1):c.1210C>T (p.Gln404Ter)

Gene: ACAT1 (acetyl-CoA acetyltransferase 1; plus strand). Cytogenetic location: 11q22.3.
Variant type: single nucleotide variant.
Coding change: c.1210C>T on transcript NM_000019.4 (MANE Select); coding-DNA position 1210, C replaced by T.
Protein change: p.Gln404Ter; replaces glutamine 404 with a stop codon.
Molecular consequence: nonsense. On other transcripts: non-coding transcript variant (2).
Genome position (GRCh38, 1-based): chr11:108,147,316, C>T. VCF-style: chr11-108147316-C-T. GRCh37 (hg19) VCF-style: chr11-108018043-C-T.
Other names: c.1231C>T, p.Gln411Ter (NM_001386677.1); c.895C>T, p.Gln299Ter (NM_001386678.1); c.913C>T, p.Gln305Ter (NM_001386679.1); c.940C>T, p.Gln314Ter (NM_001386681.1, NM_001386682.1, NM_001386685.1 and 6 more transcripts); short protein forms Q314*, Q299*, Q411*, Q404*, Q305*.
Identifiers: ClinVar variation 2751364 (VCV002751364.4), dbSNP rs2496667151, ClinGen allele CA382508787.